The following is an entry in ClinVar:

ClinVar aggregate classification (germline): Likely pathogenic (1 of 4 stars; one submission).

gnomAD v4.1: 1 of 1,614,050 alleles (0.000062%); highest among the groups gnomAD compares: Non-Finnish European, 0.000085%; no homozygotes.

Submission:

GeneDx
Classification: Likely pathogenic. Last evaluated: 2024-06-30. Review status: criteria provided, single submitter. Criteria: GeneDx Variant Classification Process June 2021. Collection method: clinical testing. Allele origin: germline. Affected: yes.
Comment: Nonsense variant predicted to result in protein truncation or nonsense mediated decay in a gene for which loss of function is a known mechanism of disease; Not observed at significant frequency in large population cohorts (gnomAD); Has not been previously published as pathogenic or benign to our knowledge

NM_144687.4(NLRP12):c.1861C>T (p.Gln621Ter)

Gene: NLRP12 (NLR family pyrin domain containing 12; minus strand). Cytogenetic location: 19q13.42.
Variant type: single nucleotide variant.
Coding change: c.1861C>T on transcript NM_144687.4 (MANE Select); coding-DNA position 1861, C replaced by T.
Protein change: p.Gln621Ter; replaces glutamine 621 with a stop codon.
Molecular consequence: nonsense.
Genome position (GRCh38, 1-based): chr19:53,809,798, G>A on the plus strand (C>T on the coding strand, the complement: NLRP12 is on the minus strand). VCF-style: chr19-53809798-G-A. GRCh37 (hg19) VCF-style: chr19-54313052-G-A.
Other names: c.1861C>T, p.Gln621Ter (NM_001277126.2, NM_001277129.1); short protein forms Q621*.
Identifiers: ClinVar variation 3393657 (VCV003393657.1).
Genomic context (GRCh38, chr19:53,809,798, plus strand): 5'-TGTTGCTGACCACGATCACCTGGAAGTGGCTCAGGGCCTGCTGGATAAACTCCTCCTCCT[G>A]GATCTCGTACAAGCAGCTGAAGAACTCCAAGGAGCCCTGCTGCAGGGTGGAGCCGTCGCT-3'